The following is an entry in ClinVar:

ClinVar aggregate classification (germline): Uncertain significance (1 of 4 stars; one submission).

Conditions:
Brody myopathy. Also called: BRODY DISEASE. Identifiers: Orphanet 53347, MedGen C1832918, MONDO:0010977, OMIM 601003.

Allele frequency attached by ClinVar (database versions not stated): gnomAD 0.00001 and 0.00002; gnomAD exomes 0.00001; ExAC 0.00002; TOPMed 0.00003; 1000 Genomes Project 0.00020; 1000 Genomes Project 30x 0.00031.
gnomAD v4.1: 13 of 1,609,068 alleles (0.00081%); highest among the groups gnomAD compares: African/African-American, 0.012%; no homozygotes.

Submission:

Labcorp Genetics (formerly Invitae), Labcorp
Classification: Uncertain significance for Brody myopathy. Last evaluated: 2022-05-29. Review status: criteria provided, single submitter. Criteria: Invitae Variant Classification Sherloc (09022015). Collection method: clinical testing. Allele origin: germline.
Comment: This variant is present in population databases (rs551817195, gnomAD 0.01%). This sequence change replaces arginine, which is basic and polar, with cysteine, which is neutral and slightly polar, at codon 615 of the ATP2A1 protein (p.Arg615Cys). This variant has not been reported in the literature in individuals affected with ATP2A1-related conditions. In summary, the available evidence is currently insufficient to determine the role of this variant in disease. Therefore, it has been classified as a Variant of Uncertain Significance. Algorithms developed to predict the effect of missense changes on protein structure and function are either unavailable or do not agree on the potential impact of this missense change (SIFT: "Deleterious"; PolyPhen-2: "Probably Damaging"; Align-GVGD: "Class C0"). ClinVar contains an entry for this variant (Variation ID: 971592).

NM_004320.6(ATP2A1):c.1843C>T (p.Arg615Cys)

Gene: ATP2A1 (ATPase sarcoplasmic/endoplasmic reticulum Ca2+ transporting 1; plus strand). Cytogenetic location: 16p11.2.
Variant type: single nucleotide variant.
Coding change: c.1843C>T on transcript NM_004320.6 (MANE Select); coding-DNA position 1843, C replaced by T.
Protein change: p.Arg615Cys; replaces arginine 615 with cysteine.
Molecular consequence: missense variant.
Genome position (GRCh38, 1-based): chr16:28,900,659, C>T. VCF-style: chr16-28900659-C-T. GRCh37 (hg19) VCF-style: chr16-28911980-C-T.
Other names: c.1468C>T, p.Arg490Cys (NM_001286075.2); c.1843C>T, p.Arg615Cys (NM_173201.5); short protein forms R490C, R615C.
Identifiers: ClinVar variation 971592 (VCV000971592.7), dbSNP rs551817195, ClinGen allele CA7987097.